The following is an entry in ClinVar:

NM_003896.4(ST3GAL5):c.149A>G (p.Tyr50Cys)

Gene: ST3GAL5 (ST3 beta-galactoside alpha-2,3-sialyltransferase 5; minus strand). Cytogenetic location: 2p11.2.
Variant type: single nucleotide variant.
Coding change: c.149A>G on transcript NM_003896.4 (MANE Select); coding-DNA position 149, A replaced by G.
Protein change: p.Tyr50Cys; replaces tyrosine 50 with cysteine.
Molecular consequence: missense variant. On other transcripts: 5 prime UTR variant (5).
Genome position (GRCh38, 1-based): chr2:85,863,419, T>C on the plus strand (A>G on the coding strand, the complement: ST3GAL5 is on the minus strand). VCF-style: chr2-85863419-T-C. GRCh37 (hg19) VCF-style: chr2-86090542-T-C.
Other names: c.80A>G, p.Tyr27Cys (NM_001042437.2); c.-413A>G (NM_001354223.2, NM_001354226.2); c.-476A>G (NM_001354224.2); c.65A>G, p.Tyr22Cys (NM_001354227.2, NM_001354229.2, NM_001354238.1); c.-853A>G (NM_001354233.2); c.-817A>G (NM_001354234.1); c.149A>G, p.Tyr50Cys (NM_001363847.1); short protein forms Y22C, Y50C, Y27C.
Identifiers: ClinVar variation 1399580 (VCV001399580.6), dbSNP rs2104079623, ClinGen allele CA347534908.

ClinVar aggregate classification (germline): Uncertain significance (1 of 4 stars; one submission).

Conditions:
GM3 synthase deficiency (SPDRS). Also called: SALT AND PEPPER MENTAL RETARDATION SYNDROME; AMISH INFANTILE EPILEPSY SYNDROME; SALT AND PEPPER DEVELOPMENTAL REGRESSION SYNDROME. Identifiers: Orphanet 171714, Orphanet 370933, MedGen C1836824, MONDO:0018274, OMIM 609056.

Submission:

Labcorp Genetics (formerly Invitae), Labcorp
Classification: Uncertain significance for GM3 synthase deficiency. Last evaluated: 2024-01-24. Review status: criteria provided, single submitter. Criteria: Invitae Variant Classification Sherloc (09022015). Collection method: clinical testing. Allele origin: germline.
Comment: This sequence change replaces tyrosine, which is neutral and polar, with cysteine, which is neutral and slightly polar, at codon 50 of the ST3GAL5 protein (p.Tyr50Cys). This variant is not present in population databases (gnomAD no frequency). This variant has not been reported in the literature in individuals affected with ST3GAL5-related conditions. ClinVar contains an entry for this variant (Variation ID: 1399580). Algorithms developed to predict the effect of missense changes on protein structure and function output the following: SIFT: "Not Available"; PolyPhen-2: "Benign"; Align-GVGD: "Not Available". The cysteine amino acid residue is found in multiple mammalian species, which suggests that this missense change does not adversely affect protein function. In summary, the available evidence is currently insufficient to determine the role of this variant in disease. Therefore, it has been classified as a Variant of Uncertain Significance.